The following is an entry in ClinVar:

NM_025265.4(TSEN2):c.108A>G (p.Glu36=)

Gene: TSEN2 (tRNA splicing endonuclease subunit 2; plus strand). Cytogenetic location: 3p25.2.
Variant type: single nucleotide variant.
Coding change: c.108A>G on transcript NM_025265.4 (MANE Select); coding-DNA position 108, A replaced by G.
Protein change: p.Glu36=; no amino-acid change (glutamic acid 36 retained).
Molecular consequence: synonymous variant. On other transcripts: non-coding transcript variant (1).
Genome position (GRCh38, 1-based): chr3:12,489,908, A>G. VCF-style: chr3-12489908-A-G. GRCh37 (hg19) VCF-style: chr3-12531407-A-G.
Other names: c.108A>G, p.Glu36= (NM_001145392.2, NM_001145393.3, NM_001145394.2 and 3 more transcripts).
Identifiers: ClinVar variation 160102 (VCV000160102.21), dbSNP rs77258715, ClinGen allele CA173664.

ClinVar aggregate classification (germline): Benign. Review status: criteria provided, multiple submitters, no conflicts (2 of 4 stars). 6 submissions from 6 submitters: Benign (5). 1 of the submissions does not count toward it. Last evaluated 2026-01-31.

Conditions:
Pontoneocerebellar hypoplasia. Also called: Non-syndromic pontocerebellar hypoplasia; Pontocerebellar hypoplasia. Identifiers: Orphanet 98523, MedGen C1261175, MONDO:0020135.
TSEN2-related disorder. Also called: TSEN2-related condition.

Allele frequency attached by ClinVar (database versions not stated): gnomAD exomes 0.00077 and 0.00207; ExAC 0.00254; gnomAD 0.00844 and 0.00898; ESP Exome Variant Server 0.00877; 1000 Genomes Project 0.00899; TOPMed 0.00948; 1000 Genomes Project 30x 0.00984.
gnomAD v4.1: 2,483 of 1,614,172 alleles (0.15%); highest among the groups gnomAD compares: African/African-American, 2.9%; 26 homozygotes.

Submissions (6):

Labcorp Genetics (formerly Invitae), Labcorp
Classification: Benign. Last evaluated: 2026-01-31. Review status: criteria provided, single submitter. Criteria: Invitae Variant Classification Sherloc (09022015). Collection method: clinical testing. Allele origin: germline.

Illumina Laboratory Services, Illumina
Classification: Benign for Pontoneocerebellar hypoplasia. Last evaluated: 2018-01-12. Review status: criteria provided, single submitter. Criteria: ICSL Variant Classification Criteria 13 December 2019. Collection method: clinical testing. Allele origin: germline.
Comment: This variant was observed in the ICSL laboratory as part of a predisposition screen in an ostensibly healthy population. It had not been previously curated by ICSL or reported in the Human Gene Mutation Database (HGMD: prior to June 1st, 2018), and was therefore a candidate for classification through an automated scoring system. Utilizing variant allele frequency, disease prevalence and penetrance estimates, and inheritance mode, an automated score was calculated to assess if this variant is too frequent to cause the disease. Based on the score and internal cut-off values, a variant classified as benign is not then subjected to further curation. The score for this variant resulted in a classification of benign for this disease.

GeneDx
Classification: Benign. Last evaluated: 2016-04-06. Review status: criteria provided, single submitter. Criteria: GeneDx Variant Classification (06012015). Collection method: clinical testing. Allele origin: germline. Affected: yes.
Comment: This variant is considered likely benign or benign based on one or more of the following criteria: it is a conservative change, it occurs at a poorly conserved position in the protein, it is predicted to be benign by multiple in silico algorithms, and/or has population frequency not consistent with disease.

Genetic Services Laboratory, University of Chicago
Classification: Benign. Last evaluated: 2013-02-08. Review status: criteria provided, single submitter. Criteria: ACMG Guidelines, 2007. Collection method: clinical testing. Allele origin: germline. Inheritance: Autosomal recessive inheritance.

Breakthrough Genomics
Classification: Benign. Review status: criteria provided, single submitter. Criteria: ACMG Guidelines, 2015. Collection method: not provided. Allele origin: germline. Inheritance: Autosomal recessive inheritance. Affected: yes.

PreventionGenetics, part of Exact Sciences
Classification: Benign for TSEN2-related condition. Last evaluated: 2019-03-18. Review status: no assertion criteria provided. Collection method: clinical testing. Allele origin: germline. Not counted in ClinVar's aggregate classification.
Comment: This variant is classified as benign based on ACMG/AMP sequence variant interpretation guidelines (Richards et al. 2015 PMID: 25741868, with internal and published modifications).